The following is an entry in ClinVar:

NM_198428.3(BBS9):c.2088C>A (p.Asp696Glu)

Gene: BBS9 (Bardet-Biedl syndrome 9; plus strand). Cytogenetic location: 7p14.3.
Variant type: single nucleotide variant.
Coding change: c.2088C>A on transcript NM_198428.3 (MANE Select); coding-DNA position 2088, C replaced by A.
Protein change: p.Asp696Glu; replaces aspartic acid 696 with glutamic acid.
Molecular consequence: missense variant. On other transcripts: non-coding transcript variant (3).
Genome position (GRCh38, 1-based): chr7:33,388,117, C>A. VCF-style: chr7-33388117-C-A. GRCh37 (hg19) VCF-style: chr7-33427729-C-A.
Other names: c.1983C>A, p.Asp661Glu (NM_001033604.2); c.2073C>A, p.Asp691Glu (NM_001033605.2); c.2088C>A, p.Asp696Glu (NM_001348036.1, NM_001348041.4, NM_001348043.3 and 1 more transcripts); c.1722C>A, p.Asp574Glu (NM_001348037.3, NM_001348045.3, NM_001348046.3); c.1815C>A, p.Asp605Glu (NM_001348038.3); c.1710C>A, p.Asp570Glu (NM_001348039.3); c.1968C>A, p.Asp656Glu (NM_001348040.3, NM_014451.4); c.1953C>A, p.Asp651Glu (NM_001348042.3); and 1 more; short protein forms D691E, D605E, D651E, D661E, D539E, D574E, D696E, D570E.
Identifiers: ClinVar variation 933382 (VCV000933382.6), dbSNP rs752548438, ClinGen allele CA4214593.

ClinVar aggregate classification (germline): Uncertain significance. Review status: criteria provided, multiple submitters, no conflicts (2 of 4 stars). 2 submissions from 2 submitters: Uncertain significance (2). Last evaluated 2025-08-03.

Conditions:
Bardet-Biedl syndrome (BBS). Identifiers: Orphanet 110, MedGen C0752166, MONDO:0015229.
BBS9-related disorder. Also called: BBS9-related condition.

Allele frequency attached by ClinVar (database versions not stated): gnomAD exomes 0.00001; TOPMed 0.00001; ExAC 0.00002.
gnomAD v4.1: 4 of 1,614,154 alleles (0.00025%); highest among the groups gnomAD compares: Admixed American, 0.0067%; no homozygotes.

Submissions (2):

PreventionGenetics, part of Exact Sciences
Classification: Uncertain significance for BBS9-related condition. Last evaluated: 2025-08-03. Review status: criteria provided, single submitter. Criteria: ACMG Guidelines, 2015. Collection method: clinical testing. Allele origin: germline.
Comment: The BBS9 c.2088C>A variant is predicted to result in the amino acid substitution p.Asp696Glu. To our knowledge, this variant has not been reported in the literature. This variant is reported in 0.0087% of alleles in individuals of Latino descent in gnomAD. Of note, a different variant impacting the same amino acid (p.Asp696Asn) was reported in the heterozygous state in a patient with biliary atresia (Subject VBA195C in Table S4, Lam et al. 2021. PubMed ID: 34455394 - variant referred to as p.D656N). At this time, the clinical significance of the c.2088C>A (p.Asp696Glu) variant is uncertain due to the absence of conclusive functional and genetic evidence.

Labcorp Genetics (formerly Invitae), Labcorp
Classification: Uncertain significance for Bardet-Biedl syndrome. Last evaluated: 2022-09-27. Review status: criteria provided, single submitter. Criteria: Invitae Variant Classification Sherloc (09022015). Collection method: clinical testing. Allele origin: germline.
Comment: This sequence change replaces aspartic acid, which is acidic and polar, with glutamic acid, which is acidic and polar, at codon 696 of the BBS9 protein (p.Asp696Glu). This variant is present in population databases (rs752548438, gnomAD 0.009%). This variant has not been reported in the literature in individuals affected with BBS9-related conditions. ClinVar contains an entry for this variant (Variation ID: 933382). Advanced modeling of protein sequence and biophysical properties (such as structural, functional, and spatial information, amino acid conservation, physicochemical variation, residue mobility, and thermodynamic stability) performed at Invitae indicates that this missense variant is not expected to disrupt BBS9 protein function. In summary, the available evidence is currently insufficient to determine the role of this variant in disease. Therefore, it has been classified as a Variant of Uncertain Significance.